The following is an entry in ClinVar:

ClinVar aggregate classification (germline): Uncertain significance. Review status: criteria provided, multiple submitters, no conflicts (2 of 4 stars). 3 submissions from 3 submitters: Uncertain significance (2). 1 of the submissions does not count toward it. Last evaluated 2026-06-12.

Conditions:
Congenital myasthenic syndrome 12 (CMS12). Also called: MYASTHENIC SYNDROME, CONGENITAL, WITH TUBULAR AGGREGATES 1; Myasthenia, congenital, 12, with tubular aggregates. Identifiers: Orphanet 353327, Orphanet 590, MedGen C3552335, MONDO:0012518, OMIM 610542.

Allele frequency attached by ClinVar (database versions not stated): gnomAD exomes below 0.00001.
gnomAD v4.1: 2 of 1,595,636 alleles (0.00013%); highest among the groups gnomAD compares: East Asian, 0.0045%; no homozygotes.

Submissions (3):

Women's Health and Genetics/Laboratory Corporation of America, LabCorp
Classification: Uncertain significance. Last evaluated: 2026-06-12. Review status: criteria provided, single submitter. Criteria: LabCorp Variant Classification Summary - May 2015. Collection method: clinical testing. Allele origin: germline.
Comment: Variant summary: GFPT1 c.43A>G (p.Thr15Ala) results in a non-conservative amino acid change located in the Glutamine amidotransferase type 2 domain (IPR017932) of the encoded protein sequence. Algorithms developed to predict the effect of missense changes on protein structure and function are either unavailable or do not agree on the potential impact of this missense change. The variant was absent in 251206 control chromosomes. The available data on variant occurrences in the general population are insufficient to allow any conclusion about variant significance. c.43A>G has been observed in at least one compound heterozygous individual affected with Congenital Myasthenic Syndrome (Senderek_2011, Guergueltcheva_2012). These data do not allow any conclusion about variant significance. A different variant affecting the same codon has been classified as pathogenic by our lab (c.44C>T, p.Thr15Met), supporting the critical relevance of codon 15 to GFPT1 protein function. At least one publication reports experimental evidence evaluating an impact on protein function. The most pronounced variant effect results in >60% of normal glutamine-fructose-6-phosphate transaminase 1 activity in transfected cells (Senderek_2011). The following publications have been ascertained in the context of this evaluation (PMID: 21975507, 21310273, 40442802). ClinVar contains an entry for this variant (Variation ID: 29739). Based on the evidence outlined above, the variant was classified as VUS-possibly pathogenic.

Labcorp Genetics (formerly Invitae), Labcorp
Classification: Uncertain significance for Congenital myasthenic syndrome 12. Last evaluated: 2024-08-12. Review status: criteria provided, single submitter. Criteria: Invitae Variant Classification Sherloc (09022015). Collection method: clinical testing. Allele origin: germline.
Comment: This sequence change replaces threonine, which is neutral and polar, with alanine, which is neutral and non-polar, at codon 15 of the GFPT1 protein (p.Thr15Ala). This variant is not present in population databases (gnomAD no frequency). This missense change has been observed in individual(s) with congenital myasthenic syndrome (PMID: 21310273). ClinVar contains an entry for this variant (Variation ID: 29739). An algorithm developed to predict the effect of missense changes on protein structure and function (PolyPhen-2) suggests that this variant is likely to be tolerated. Experimental studies have shown that this missense change affects GFPT1 function (PMID: 21310273). This variant disrupts the p.Thr15 amino acid residue in GFPT1. Other variant(s) that disrupt this residue have been determined to be pathogenic (PMID: 21310273, 23569079, 23794683, 28712002; Invitae). This suggests that this residue is clinically significant, and that variants that disrupt this residue are likely to be disease-causing. In summary, the available evidence is currently insufficient to determine the role of this variant in disease. Therefore, it has been classified as a Variant of Uncertain Significance.

OMIM
Classification: Pathogenic for MYASTHENIC SYNDROME, CONGENITAL, 12. Last evaluated: 2011-02-11. Review status: no assertion criteria provided. Collection method: literature only. Allele origin: germline. Not counted in ClinVar's aggregate classification.

Literature cited by the submitters: PubMed 21310273 (cited by 3 submitters); PubMed 21975507 (cited by Women's Health and Genetics/Laboratory Corporation of America, LabCorp); PubMed 40442802 (cited by Women's Health and Genetics/Laboratory Corporation of America, LabCorp); PubMed 23569079 (cited by Labcorp Genetics (formerly Invitae), Labcorp); PubMed 23794683 (cited by Labcorp Genetics (formerly Invitae), Labcorp); PubMed 28712002 (cited by Labcorp Genetics (formerly Invitae), Labcorp); PubMed 12467753 (cited by OMIM).

NM_001244710.2(GFPT1):c.43A>G (p.Thr15Ala)

Gene: GFPT1 (glutamine--fructose-6-phosphate transaminase 1; minus strand). Cytogenetic location: 2p13.3.
Variant type: single nucleotide variant.
Coding change: c.43A>G on transcript NM_001244710.2 (MANE Select); coding-DNA position 43, A replaced by G.
Protein change: p.Thr15Ala; replaces threonine 15 with alanine.
Molecular consequence: missense variant.
Genome position (GRCh38, 1-based): chr2:69,374,078, T>C on the plus strand (A>G on the coding strand, the complement: GFPT1 is on the minus strand). VCF-style: chr2-69374078-T-C. GRCh37 (hg19) VCF-style: chr2-69601210-T-C.
Other names: c.43A>G, p.Thr15Ala (NM_002056.4); short protein forms T15A.
Identifiers: ClinVar variation 29739 (VCV000029739.5), dbSNP rs387906638, ClinGen allele CA128607.